The following is an entry in ClinVar:

NM_052844.4(DYNC2I2):c.544C>T (p.Arg182Trp)

Gene: DYNC2I2 (dynein 2 intermediate chain 2; minus strand). Cytogenetic location: 9q34.11.
Variant type: single nucleotide variant.
Coding change: c.544C>T on transcript NM_052844.4 (MANE Select); coding-DNA position 544, C replaced by T.
Protein change: p.Arg182Trp; replaces arginine 182 with tryptophan.
Molecular consequence: missense variant.
Genome position (GRCh38, 1-based): chr9:128,636,919, G>A on the plus strand (C>T on the coding strand, the complement: DYNC2I2 is on the minus strand). VCF-style: chr9-128636919-G-A. GRCh37 (hg19) VCF-style: chr9-131399198-G-A.
Other names: short protein forms R182W.
Identifiers: ClinVar variation 446625 (VCV000446625.12), dbSNP rs555811074, ClinGen allele CA5266584.

ClinVar aggregate classification (germline): Conflicting classifications of pathogenicity. Review status: criteria provided, conflicting classifications (1 of 4 stars). 7 submissions from 7 submitters: Pathogenic (2); Likely pathogenic (2); Uncertain significance (1). 2 of the submissions do not count toward it. Last evaluated 2025-07-24.

Conditions:
Short-rib thoracic dysplasia 11 with or without polydactyly (SRTD11). Also called: SHORT-RIB THORACIC DYSPLASIA 11 WITHOUT POLYDACTYLY. Identifiers: Orphanet 474, Orphanet 93271, MedGen C3810200, MONDO:0014287, OMIM 615633.
Jeune thoracic dystrophy. Also called: Infantile thoracic dystrophy; Thoracic pelvic phalangeal dystrophy; Jeune's syndrome; Chondroectodermal dysplasia-like syndrome; Short-rib thoracic dysplasia; Jeune syndrome. Identifiers: Orphanet 474, MedGen C0265275, MONDO:0018770.

Allele frequency attached by ClinVar (database versions not stated): gnomAD exomes below 0.00001 and 0.00001; gnomAD 0.00001 and 0.00002; TOPMed 0.00001; ExAC 0.00002; 1000 Genomes Project 30x 0.00016; 1000 Genomes Project 0.00020.
gnomAD v4.1: 23 of 1,611,316 alleles (0.0014%); highest among the groups gnomAD compares: East Asian, 0.0089%; no homozygotes.

Submissions (7):

Victorian Clinical Genetics Services, Murdoch Childrens Research Institute
Classification: Pathogenic for Short-rib thoracic dysplasia 11 with or without polydactyly. Last evaluated: 2025-07-24. Review status: criteria provided, single submitter. Criteria: ACMG Guidelines, 2015. Collection method: clinical testing. Allele origin: germline. Affected: no.
Comment: This variant is classified as Pathogenic. Evidence in support of pathogenic classification: Variant is present in gnomAD <0.01 for a recessive condition (v4: 23 heterozygote(s), 0 homozygote(s)); This variant has strong previous evidence of pathogenicity in unrelated individuals. It has been reported in homozygous and compound heterozygous individuals affected with short-rib thoracic dysplasia 11 with or without polydactyly (PMIDs: 29241935, 29068549, 36653407). In addition, it has been classified as pathogenic and likely pathogenic by clinical laboratories (ClinVar); Missense variant predicted to be damaging by in silico tool(s) or highly conserved with a major amino acid change. Additional information: Variant is predicted to result in a missense amino acid change from Arg to Trp; This variant is heterozygous; This gene is associated with autosomal recessive disease; Alternative amino acid change(s) at the same position are present in gnomAD (highest allele count: v4: 8 heterozygote(s), 0 homozygote(s); No comparable missense variants have previous evidence for pathogenicity; Variant is not located in an established domain, motif, hotspot or informative constraint region; Loss of function is a known mechanism of disease in this gene and is associated with short-rib thoracic dysplasia 11 with or without polydactyly (MIM#615633).

Labcorp Genetics (formerly Invitae), Labcorp
Classification: Pathogenic for Short-rib thoracic dysplasia 11 with or without polydactyly. Last evaluated: 2025-04-16. Review status: criteria provided, single submitter. Criteria: Invitae Variant Classification Sherloc (09022015). Collection method: clinical testing. Allele origin: germline.
Comment: This sequence change replaces arginine, which is basic and polar, with tryptophan, which is neutral and slightly polar, at codon 182 of the WDR34 protein (p.Arg182Trp). This variant is present in population databases (rs555811074, gnomAD 0.006%). This missense change has been observed in individuals with short-rib thoracic dysplasia (PMID: 29068549, 29241935, 36653407; internal data). ClinVar contains an entry for this variant (Variation ID: 446625). An algorithm developed to predict the effect of missense changes on protein structure and function (PolyPhen-2) suggests that this variant is likely to be disruptive. Experimental studies have shown that this missense change affects WDR34 function (PMID: 36268591). For these reasons, this variant has been classified as Pathogenic.

GeneDx
Classification: Likely pathogenic. Last evaluated: 2025-02-11. Review status: criteria provided, single submitter. Criteria: GeneDx Variant Classification Process June 2021. Collection method: clinical testing. Allele origin: germline. Affected: yes.
Comment: Not observed at significant frequency in large population cohorts (gnomAD); Published functional studies suggest a damaging effect on protein stability, localization, and dynein-2 complex interaction (PMID: 36268591); In silico analysis supports that this missense variant has a deleterious effect on protein structure/function; This variant is associated with the following publications: (PMID: 29068549, 36268591, 34406647, 36653407, 29241935)

Institute for Clinical Genetics, University Hospital TU Dresden, University Hospital TU Dresden
Classification: Likely pathogenic. Last evaluated: 2021-12-14. Review status: criteria provided, single submitter. Criteria: ACMG Guidelines, 2015. Collection method: clinical testing. Allele origin: inherited.
Comment: PP3, PM1, PM2_SUP, PP1_MOD

Juno Genomics, Hangzhou Juno Genomics, Inc
Classification: Uncertain significance for Short-rib thoracic dysplasia 11 with or without polydactyly. Review status: criteria provided, single submitter. Criteria: ACMG Guidelines, 2015. Collection method: clinical testing. Allele origin: germline.
Comment: Absent from controls (or at extremely low frequency if recessive) in Genome Aggregation Database.;For recessive disorders, detected in trans with a pathogenic variant.;Patient's phenotype or family history is highly specific for a disease with a single genetic etiology.;Well-established in vitro or in vivo functional studies supportive of a damaging effect on the gene or gene product.

Dan Cohn Lab, University Of California Los Angeles
Classification: Pathogenic for Asphyxiating thoracic dystrophy. Last evaluated: 2017-06-01. Review status: no assertion criteria provided. Collection method: research. Allele origin: paternal. Affected: yes. Not counted in ClinVar's aggregate classification.

University of Washington Center for Mendelian Genomics, University of Washington
Classification: Likely pathogenic for asphyxiating thoracic dystrophy. Review status: no assertion criteria provided. Collection method: research. Allele origin: inherited. Affected: yes. Not counted in ClinVar's aggregate classification.

Literature cited by the submitters: PubMed 36653407 (cited by Victorian Clinical Genetics Services, Murdoch Childrens Research Institute and Labcorp Genetics (formerly Invitae), Labcorp); PubMed 29241935 (cited by Victorian Clinical Genetics Services, Murdoch Childrens Research Institute and Labcorp Genetics (formerly Invitae), Labcorp); PubMed 29068549 (cited by 4 submitters); PubMed 36268591 (cited by Labcorp Genetics (formerly Invitae), Labcorp).